The following is an entry in ClinVar:

ClinVar aggregate classification (germline): Conflicting classifications of pathogenicity. Review status: criteria provided, conflicting classifications (1 of 4 stars). 2 submissions from 2 submitters: Likely pathogenic (1); Uncertain significance (1). Last evaluated 2020-10-26.

Conditions:
Medium-chain acyl-coenzyme A dehydrogenase deficiency (ACADMD). Also called: MCAD Deficiency; MCADD; MCADH DEFICIENCY; ACADM DEFICIENCY; CARNITINE DEFICIENCY SECONDARY TO MEDIUM-CHAIN ACYL-CoA DEHYDROGENASE DEFICIENCY; Medium chain acyl-CoA dehydrogenase deficiency. Identifiers: Orphanet 42, MedGen C0220710, MONDO:0008721, OMIM 201450.

Allele frequency attached by ClinVar (database versions not stated): gnomAD exomes below 0.00001.

Submissions (2):

Labcorp Genetics (formerly Invitae), Labcorp
Classification: Likely pathogenic for Medium-chain acyl-coenzyme A dehydrogenase deficiency. Last evaluated: 2020-10-26. Review status: criteria provided, single submitter. Criteria: Invitae Variant Classification Sherloc (09022015). Collection method: clinical testing. Allele origin: germline.
Comment: In summary, the currently available evidence indicates that the variant is pathogenic, but additional data are needed to prove that conclusively. Therefore, this variant has been classified as Likely Pathogenic. This variant disrupts the p.Tyr352 amino acid residue in ACADM. Other variant(s) that disrupt this residue have been determined to be pathogenic (PMID: 8215568, 9158144). This suggests that this residue is clinically significant, and that variants that disrupt this residue are likely to be disease-causing. Advanced modeling of protein sequence and biophysical properties (such as structural, functional, and spatial information, amino acid conservation, physicochemical variation, residue mobility, and thermodynamic stability) performed at Invitae indicates that this missense variant is expected to disrupt ACADM protein function. This variant has not been reported in the literature in individuals with ACADM-related conditions. ClinVar contains an entry for this variant (Variation ID: 593752). This variant is not present in population databases (ExAC no frequency). This sequence change replaces tyrosine with aspartic acid at codon 352 of the ACADM protein (p.Tyr352Asp). The tyrosine residue is highly conserved and there is a large physicochemical difference between tyrosine and aspartic acid.

Eurofins Ntd Llc (ga)
Classification: Uncertain significance. Last evaluated: 2017-09-05. Review status: criteria provided, single submitter. Criteria: EGL Classification Definitions 2015. Collection method: clinical testing. Allele origin: germline. Observed: 1 variant allele, 1 heterozygote.

Literature cited by the submitters: PubMed 8215568 (cited by Labcorp Genetics (formerly Invitae), Labcorp); PubMed 9158144 (cited by Labcorp Genetics (formerly Invitae), Labcorp).

NM_000016.6(ACADM):c.1054T>G (p.Tyr352Asp)

Gene: ACADM (acyl-CoA dehydrogenase medium chain; plus strand). Cytogenetic location: 1p31.1.
Variant type: single nucleotide variant.
Coding change: c.1054T>G on transcript NM_000016.6 (MANE Select); coding-DNA position 1054, T replaced by G.
Protein change: p.Tyr352Asp; replaces tyrosine 352 with aspartic acid.
Molecular consequence: missense variant.
Genome position (GRCh38, 1-based): chr1:75,761,230, T>G. VCF-style: chr1-75761230-T-G. GRCh37 (hg19) VCF-style: chr1-76226915-T-G.
Other names: c.1066T>G, p.Tyr356Asp (NM_001127328.3); c.946T>G, p.Tyr316Asp (NM_001286042.2); c.1153T>G, p.Tyr385Asp (NM_001286043.2); c.487T>G, p.Tyr163Asp (NM_001286044.2); short protein forms Y352D, Y163D, Y385D, Y316D, Y356D.
Identifiers: ClinVar variation 593752 (VCV000593752.13), dbSNP rs1557466834, ClinGen allele CA340818071.